The following is an entry in ClinVar:

ClinVar aggregate classification (germline): Uncertain significance. Review status: criteria provided, multiple submitters, no conflicts (2 of 4 stars). 2 submissions from 2 submitters: Uncertain significance (2). Last evaluated 2024-12-17.

Conditions:
Walker-Warburg congenital muscular dystrophy. Also called: Muscular dystrophy-dystroglycanopathy, type A; Walker-Warburg syndrome. Identifiers: Orphanet 899, MedGen C0265221, MONDO:0000171.
Cardiovascular phenotype. Identifiers: MedGen CN230736.

Allele frequency attached by ClinVar (database versions not stated): gnomAD exomes below 0.00001 and 0.00001; TOPMed below 0.00001; ExAC 0.00001.
gnomAD v4.1: 3 of 1,599,406 alleles (0.00019%); highest among the groups gnomAD compares: Admixed American, 0.0017%; no homozygotes.

Submissions (2):

Ambry Genetics
Classification: Uncertain significance for Cardiovascular phenotype. Last evaluated: 2024-12-17. Review status: criteria provided, single submitter. Criteria: Ambry Variant Classification Scheme 2023. Collection method: clinical testing. Allele origin: germline.
Comment: The p.I324M variant (also known as c.972A>G), located in coding exon 7 of the FKTN gene, results from an A to G substitution at nucleotide position 972. The isoleucine at codon 324 is replaced by methionine, an amino acid with highly similar properties. This amino acid position is conserved. In addition, this alteration is predicted to be deleterious by in silico analysis. Based on the available evidence, the clinical significance of this variant remains unclear.

Labcorp Genetics (formerly Invitae), Labcorp
Classification: Uncertain significance for Walker-Warburg congenital muscular dystrophy. Last evaluated: 2021-11-12. Review status: criteria provided, single submitter. Criteria: Invitae Variant Classification Sherloc (09022015). Collection method: clinical testing. Allele origin: germline.
Comment: This sequence change replaces isoleucine, which is neutral and non-polar, with methionine, which is neutral and non-polar, at codon 324 of the FKTN protein (p.Ile324Met). This variant is present in population databases (rs769691253, gnomAD 0.01%). This variant has not been reported in the literature in individuals affected with FKTN-related conditions. Algorithms developed to predict the effect of missense changes on protein structure and function are either unavailable or do not agree on the potential impact of this missense change (SIFT: "Tolerated"; PolyPhen-2: "Probably Damaging"; Align-GVGD: "Class C0"). In summary, the available evidence is currently insufficient to determine the role of this variant in disease. Therefore, it has been classified as a Variant of Uncertain Significance.

NM_001079802.2(FKTN):c.972A>G (p.Ile324Met)

Gene: FKTN (fukutin; plus strand). Cytogenetic location: 9q31.2.
Variant type: single nucleotide variant.
Coding change: c.972A>G on transcript NM_001079802.2 (MANE Select); coding-DNA position 972, A replaced by G.
Protein change: p.Ile324Met; replaces isoleucine 324 with methionine.
Molecular consequence: missense variant. On other transcripts: non-coding transcript variant (1).
Genome position (GRCh38, 1-based): chr9:105,618,020, A>G. VCF-style: chr9-105618020-A-G. GRCh37 (hg19) VCF-style: chr9-108380301-A-G.
Other names: c.972A>G, p.Ile324Met (NM_001198963.2, NM_001351496.2, NM_001351498.2 and 1 more transcripts); c.903A>G, p.Ile301Met (NM_001351497.2); c.576A>G, p.Ile192Met (NM_001351499.2, NM_001351500.2, NM_001351501.2 and 1 more transcripts); c.972A>G (NM_001079802.1); short protein forms I324M, I192M, I301M.
Identifiers: ClinVar variation 1375461 (VCV001375461.4), dbSNP rs769691253, ClinGen allele CA5170540.
Genomic context (GRCh38, chr9:105,618,020, plus strand): 5'-ATGGTATCGACAATGCAACATTATTCCTTATAGCAAAGATGTTGACCTAGGAATTTTTAT[A>G]CAAGATTACAAATCTGATATTATTTTAGCATTTCAGGATGCAGGACTTCCGCTCAAACAC-3'
Protein context (NP_001073270.1, residues 314-334): YSKDVDLGIF[Ile324Met]QDYKSDIILA